The following is an entry in ClinVar:

ClinVar aggregate classification (germline): Uncertain significance (1 of 4 stars; one submission).

Submission:

Labcorp Genetics (formerly Invitae), Labcorp
Classification: Uncertain significance. Last evaluated: 2022-10-13. Review status: criteria provided, single submitter. Criteria: Invitae Variant Classification Sherloc (09022015). Collection method: clinical testing. Allele origin: germline.
Comment: In summary, the available evidence is currently insufficient to determine the role of this variant in disease. Therefore, it has been classified as a Variant of Uncertain Significance. Advanced modeling of protein sequence and biophysical properties (such as structural, functional, and spatial information, amino acid conservation, physicochemical variation, residue mobility, and thermodynamic stability) performed at Invitae indicates that this missense variant is not expected to disrupt RP1L1 protein function. ClinVar contains an entry for this variant (Variation ID: 1367041). This variant has not been reported in the literature in individuals affected with RP1L1-related conditions. This variant is not present in population databases (gnomAD no frequency). This sequence change replaces threonine, which is neutral and polar, with isoleucine, which is neutral and non-polar, at codon 60 of the RP1L1 protein (p.Thr60Ile).

NM_178857.6(RP1L1):c.179C>T (p.Thr60Ile)

Gene: RP1L1 (RP1 like 1). Cytogenetic location: 8p23.1.
Variant type: single nucleotide variant.
Coding change: c.179C>T on transcript NM_178857.6 (MANE Select); coding-DNA position 179, C replaced by T.
Protein change: p.Thr60Ile; replaces threonine 60 with isoleucine.
Molecular consequence: missense variant.
Genome position (GRCh38, 1-based): chr8:10,623,023, G>A on the plus strand (C>T on the coding strand, the complement: RP1L1 is on the minus strand). VCF-style: chr8-10623023-G-A. GRCh37 (hg19) VCF-style: chr8-10480533-G-A.
Other names: short protein forms T60I.
Identifiers: ClinVar variation 1367041 (VCV001367041.8), dbSNP rs1396460290, ClinGen allele CA370300940.